The following is an entry in ClinVar:

NM_001080467.3(MYO5B):c.1087C>T (p.Arg363Ter)

Gene: MYO5B (myosin VB; minus strand). Cytogenetic location: 18q21.1.
Variant type: single nucleotide variant.
Coding change: c.1087C>T on transcript NM_001080467.3 (MANE Select); coding-DNA position 1087, C replaced by T.
Protein change: p.Arg363Ter; replaces arginine 363 with a stop codon.
Molecular consequence: nonsense.
Genome position (GRCh38, 1-based): chr18:49,974,585, G>A on the plus strand (C>T on the coding strand, the complement: MYO5B is on the minus strand). VCF-style: chr18-49974585-G-A. GRCh37 (hg19) VCF-style: chr18-47500955-G-A.
Other names: short protein forms R363*.
Identifiers: ClinVar variation 1454816 (VCV001454816.6), dbSNP rs1239739885, ClinGen allele CA402433414.

ClinVar aggregate classification (germline): Pathogenic (1 of 4 stars; one submission).

Allele frequency attached by ClinVar (database versions not stated): TOPMed below 0.00001; gnomAD exomes 0.00001.
gnomAD v4.1: 11 of 1,614,032 alleles (0.00068%); highest among the groups gnomAD compares: Middle Eastern, 0.016%; no homozygotes.

Submission:

Labcorp Genetics (formerly Invitae), Labcorp
Classification: Pathogenic. Last evaluated: 2021-11-03. Review status: criteria provided, single submitter. Criteria: Invitae Variant Classification Sherloc (09022015). Collection method: clinical testing. Allele origin: germline.
Comment: For these reasons, this variant has been classified as Pathogenic. This premature translational stop signal has been observed in individual(s) with microvillous inclusion disease (PMID: 30564347). This variant is not present in population databases (gnomAD no frequency). This sequence change creates a premature translational stop signal (p.Arg363*) in the MYO5B gene. It is expected to result in an absent or disrupted protein product. Loss-of-function variants in MYO5B are known to be pathogenic (PMID: 18724368, 20186687).

Literature cited by the submitters: PubMed 30564347; PubMed 18724368; PubMed 20186687.